The following is an entry in ClinVar:

ClinVar aggregate classification (germline): Uncertain significance (1 of 4 stars; one submission).

Conditions:
Chédiak-Higashi syndrome (CHS). Also called: Chediak-Higashi Syndrome. Identifiers: Orphanet 167, MedGen C0007965, MONDO:0008963, OMIM 214500.

Allele frequency attached by ClinVar (database versions not stated): TOPMed below 0.00001; 1000 Genomes Project 30x 0.00016; 1000 Genomes Project 0.00020.
gnomAD v4.1: 1 of 1,584,528 alleles (0.000063%); no homozygotes.

Submission:

Labcorp Genetics (formerly Invitae), Labcorp
Classification: Uncertain significance for Chédiak-Higashi syndrome. Last evaluated: 2022-07-12. Review status: criteria provided, single submitter. Criteria: Invitae Variant Classification Sherloc (09022015). Collection method: clinical testing. Allele origin: germline.
Comment: This sequence change replaces asparagine, which is neutral and polar, with aspartic acid, which is acidic and polar, at codon 3276 of the LYST protein (p.Asn3276Asp). In summary, the available evidence is currently insufficient to determine the role of this variant in disease. Therefore, it has been classified as a Variant of Uncertain Significance. Algorithms developed to predict the effect of sequence changes on RNA splicing suggest that this variant may create or strengthen a splice site. Algorithms developed to predict the effect of missense changes on protein structure and function are either unavailable or do not agree on the potential impact of this missense change (SIFT: "Tolerated"; PolyPhen-2: "Probably Damaging"; Align-GVGD: "Class C0"). This variant has not been reported in the literature in individuals affected with LYST-related conditions. This variant is not present in population databases (gnomAD no frequency).

NM_000081.4(LYST):c.9826A>G (p.Asn3276Asp)

Gene: LYST (lysosomal trafficking regulator; minus strand). Cytogenetic location: 1q42.3.
Variant type: single nucleotide variant.
Coding change: c.9826A>G on transcript NM_000081.4 (MANE Select); coding-DNA position 9826, A replaced by G.
Protein change: p.Asn3276Asp; replaces asparagine 3276 with aspartic acid.
Molecular consequence: missense variant.
Genome position (GRCh38, 1-based): chr1:235,712,156, T>C on the plus strand (A>G on the coding strand, the complement: LYST is on the minus strand). VCF-style: chr1-235712156-T-C. GRCh37 (hg19) VCF-style: chr1-235875456-T-C.
Other names: c.9826A>G, p.Asn3276Asp (NM_001301365.1); short protein forms N3276D.
Identifiers: ClinVar variation 2070983 (VCV002070983.4), dbSNP rs549860428, ClinGen allele CA39597041.